The following is an entry in ClinVar:

ClinVar aggregate classification (germline): Likely benign. Review status: criteria provided, multiple submitters, no conflicts (2 of 4 stars). 3 submissions from 3 submitters: Likely benign (3). Last evaluated 2025-06-16.

Conditions:
RP1-related disorder. Also called: RP1-related condition.

Allele frequency attached by ClinVar (database versions not stated): gnomAD 0.00001; gnomAD exomes 0.00001; TOPMed 0.00001; ExAC 0.00001.
gnomAD v4.1: 15 of 1,613,954 alleles (0.00093%); highest among the groups gnomAD compares: African/African-American, 0.0013%; no homozygotes.

Submissions (3):

PreventionGenetics, part of Exact Sciences
Classification: Likely benign for RP1-related condition. Last evaluated: 2025-06-16. Review status: criteria provided, single submitter. Criteria: ACMG Guidelines, 2015. Collection method: clinical testing. Allele origin: germline.
Comment: This variant is classified as likely benign based on ACMG/AMP sequence variant interpretation guidelines (Richards et al. 2015 PMID: 25741868, with internal and published modifications).

Labcorp Genetics (formerly Invitae), Labcorp
Classification: Likely benign. Last evaluated: 2024-08-19. Review status: criteria provided, single submitter. Criteria: Invitae Variant Classification Sherloc (09022015). Collection method: clinical testing. Allele origin: germline.

Blueprint Genetics
Classification: Likely benign. Last evaluated: 2024-04-24. Review status: criteria provided, single submitter. Criteria: ACMG Guidelines, 2015. Collection method: clinical testing. Allele origin: germline.

NM_006269.2(RP1):c.5328T>C (p.Leu1776=)

Genes: RP1 (RP1 axonemal microtubule associated; plus strand), LOC126860392 (CDK7 strongly-dependent group 2 enhancer GRCh37_chr8:55541319-55542518; plus strand). Cytogenetic location: 8q12.1.
Variant type: single nucleotide variant.
Coding change: c.5328T>C on transcript NM_006269.2 (MANE Select); coding-DNA position 5328, T replaced by C.
Protein change: p.Leu1776=; no amino-acid change (leucine 1776 retained).
Molecular consequence: synonymous variant. On other transcripts: intron variant (1).
Genome position (GRCh38, 1-based): chr8:54,629,210, T>C. VCF-style: chr8-54629210-T-C. GRCh37 (hg19) VCF-style: chr8-55541770-T-C.
Other names: c.787+6922T>C (NM_001375654.1); c.5328T>C (NM_006269.1).
Identifiers: ClinVar variation 1571627 (VCV001571627.10), dbSNP rs758301176, ClinGen allele CA4752044.
Genomic context (GRCh38, chr8:54,629,210, plus strand): 5'-GTCATCTGAAAATCCTGGCATGTGTGGCAATGCAGACACCACATCAGTGGACACCCTACT[T>C]GATAATAACAGCAGTGAGGTACCATATTCACATTTTGGTAATTTGGCCCCAGGCCCAACG-3'
Protein context (NP_006260.1, residues 1766-1786): NADTTSVDTL[Leu1776=]DNNSSEVPYS